The following is an entry in ClinVar:

ClinVar aggregate classification (germline): Uncertain significance (1 of 4 stars; one submission).

Conditions:
Tuberous sclerosis 2 (TSC2). Identifiers: Orphanet 805, MedGen C1860707, MONDO:0013199, OMIM 613254.

Submission:

Labcorp Genetics (formerly Invitae), Labcorp
Classification: Uncertain significance for Tuberous sclerosis 2. Last evaluated: 2024-08-12. Review status: criteria provided, single submitter. Criteria: Invitae Variant Classification Sherloc (09022015). Collection method: clinical testing. Allele origin: germline.
Comment: This sequence change replaces glutamic acid, which is acidic and polar, with aspartic acid, which is acidic and polar, at codon 1552 of the TSC2 protein (p.Glu1552Asp). This variant is not present in population databases (gnomAD no frequency). This variant has not been reported in the literature in individuals affected with TSC2-related conditions. Advanced modeling of protein sequence and biophysical properties (such as structural, functional, and spatial information, amino acid conservation, physicochemical variation, residue mobility, and thermodynamic stability) performed at Invitae indicates that this missense variant is not expected to disrupt TSC2 protein function with a negative predictive value of 95%. In summary, the available evidence is currently insufficient to determine the role of this variant in disease. Therefore, it has been classified as a Variant of Uncertain Significance.

NM_000548.5(TSC2):c.4656A>T (p.Glu1552Asp)

Gene: TSC2 (TSC complex subunit 2; plus strand). Cytogenetic location: 16p13.3.
Variant type: single nucleotide variant.
Coding change: c.4656A>T on transcript NM_000548.5 (MANE Select); coding-DNA position 4656, A replaced by T.
Protein change: p.Glu1552Asp; replaces glutamic acid 1552 with aspartic acid.
Molecular consequence: missense variant. On other transcripts: non-coding transcript variant (5).
Genome position (GRCh38, 1-based): chr16:2,085,316, A>T. VCF-style: chr16-2085316-A-T. GRCh37 (hg19) VCF-style: chr16-2135317-A-T.
Other names: c.4488A>T, p.Glu1496Asp (NM_001318832.2); c.4458A>T, p.Glu1486Asp (NM_001363528.2); c.4524A>T, p.Glu1508Asp (NM_001370404.1); c.4437A>T, p.Glu1479Asp (NM_001406676.1); c.4398A>T, p.Glu1466Asp (NM_001406677.1); c.4344A>T, p.Glu1448Asp (NM_001406678.1); c.4308A>T, p.Glu1436Asp (NM_001406679.1); c.4056A>T, p.Glu1352Asp (NM_001406680.1); and 26 more; short protein forms E1329D, E1436D, E1448D, E1332D, E1352D, E1437D, E1480D, E1482D.
Identifiers: ClinVar variation 3637244 (VCV003637244.2).